The following is an entry in ClinVar:

NM_000038.6(APC):c.1124G>T (p.Gly375Val)

Gene: APC (APC regulator of Wnt signaling pathway; plus strand). Cytogenetic location: 5q22.2.
Variant type: single nucleotide variant.
Coding change: c.1124G>T on transcript NM_000038.6 (MANE Select); coding-DNA position 1124, G replaced by T.
Protein change: p.Gly375Val; replaces glycine 375 with valine.
Molecular consequence: missense variant. On other transcripts: intron variant (4).
Genome position (GRCh38, 1-based): chr5:112,819,156, G>T. VCF-style: chr5-112819156-G-T. GRCh37 (hg19) VCF-style: chr5-112154853-G-T.
Other names: c.1124G>T, p.Gly375Val (NM_001127510.3, NM_001354895.2, NM_001354896.2); c.1070G>T, p.Gly357Val (NM_001127511.3); c.1154G>T, p.Gly385Val (NM_001354897.2); c.1049G>T, p.Gly350Val (NM_001354898.2); c.1040G>T, p.Gly347Val (NM_001354899.2); c.947G>T, p.Gly316Val (NM_001354900.2, NM_001354901.2); c.275G>T, p.Gly92Val (NM_001354906.2); c.964-113G>T (NM_001354902.2); and 3 more; short protein forms G316V, G347V, G357V, G375V, G385V, G92V, G350V.
Identifiers: ClinVar variation 925540 (VCV000925540.13), dbSNP rs1554080027, ClinGen allele CA16023770.
Genomic context (GRCh38, chr5:112,819,156, plus strand): 5'-TCCTCATCCAGCTTTTACATGGCAATGACAAAGACTCTGTATTGTTGGGAAATTCCCGGG[G>T]CAGTAAAGAGGCTCGGGCCAGGGCCAGTGCAGCACTCCACAACATCATTCACTCACAGCC-3'
Protein context (NP_000029.2, residues 365-385): KDSVLLGNSR[Gly375Val]SKEARARASA

ClinVar aggregate classification (germline): Uncertain significance. Review status: criteria provided, multiple submitters, no conflicts (2 of 4 stars). 3 submissions from 3 submitters: Uncertain significance (3). Last evaluated 2025-04-17.

Conditions:
Hereditary cancer-predisposing syndrome. Also called: Neoplastic Syndromes, Hereditary; Tumor predisposition; Hereditary Cancer Syndrome; Hereditary neoplastic syndrome. Identifiers: Orphanet 140162, MedGen C0027672, MeSH D009386, MONDO:0015356.
Familial adenomatous polyposis 1 (FAP1). Also called: FAMILIAL ADENOMATOUS POLYPOSIS 1, ATTENUATED; POLYPOSIS, ADENOMATOUS INTESTINAL. Identifiers: MedGen C2713442, MONDO:0021056, OMIM 175100. Disease mechanism: loss of function.

Submissions (3):

Ambry Genetics
Classification: Uncertain significance for Hereditary cancer-predisposing syndrome. Last evaluated: 2025-04-17. Review status: criteria provided, single submitter. Criteria: Ambry Variant Classification Scheme 2023. Collection method: clinical testing. Allele origin: germline.
Comment: The p.G375V variant (also known as c.1124G>T), located in coding exon 9 of the APC gene, results from a G to T substitution at nucleotide position 1124. The glycine at codon 375 is replaced by valine, an amino acid with dissimilar properties. This amino acid position is conserved. In addition, in silico predictors for this gene do not accurately predict pathogenicity. Based on the available evidence, the clinical significance of this variant remains unclear.

Labcorp Genetics (formerly Invitae), Labcorp
Classification: Uncertain significance for Familial adenomatous polyposis 1. Last evaluated: 2025-02-09. Review status: criteria provided, single submitter. Criteria: Invitae Variant Classification Sherloc (09022015). Collection method: clinical testing. Allele origin: germline.
Comment: This sequence change replaces glycine, which is neutral and non-polar, with valine, which is neutral and non-polar, at codon 375 of the APC protein (p.Gly375Val). This variant is not present in population databases (gnomAD no frequency). This variant has not been reported in the literature in individuals affected with APC-related conditions. ClinVar contains an entry for this variant (Variation ID: 925540). Invitae Evidence Modeling of protein sequence and biophysical properties (such as structural, functional, and spatial information, amino acid conservation, physicochemical variation, residue mobility, and thermodynamic stability) has been performed for this missense variant. However, the output from this modeling did not meet the statistical confidence thresholds required to predict the impact of this variant on APC protein function. In summary, the available evidence is currently insufficient to determine the role of this variant in disease. Therefore, it has been classified as a Variant of Uncertain Significance.

Color Diagnostics, LLC DBA Color Health
Classification: Uncertain significance for Hereditary cancer-predisposing syndrome. Last evaluated: 2024-03-06. Review status: criteria provided, single submitter. Criteria: ACMG Guidelines, 2015. Collection method: clinical testing. Allele origin: germline.
Comment: This missense variant replaces glycine with valine at codon 375 of the APC protein. Computational prediction tool is inconclusive regarding the impact of this variant on protein structure and function (internally defined REVEL score threshold 0.5 < inconclusive < 0.7, PMID: 27666373). Splice site prediction tools suggest that this variant may not impact RNA splicing. To our knowledge, functional studies have not been performed for this variant. This variant has not been reported in individuals affected with hereditary cancer in the literature. This variant has not been identified in the general population by the Genome Aggregation Database (gnomAD). The available evidence is insufficient to determine the role of this variant in disease conclusively. Therefore, this variant is classified as a Variant of Uncertain Significance.